The following is an entry in ClinVar:

ClinVar aggregate classification (germline): Uncertain significance (1 of 4 stars; one submission).

Conditions:
Cryopyrin associated periodic syndrome (CAPS). Identifiers: Orphanet 208650, MedGen C2316212, MONDO:0016168.

Allele frequency attached by ClinVar (database versions not stated): gnomAD exomes below 0.00001; TOPMed below 0.00001.
gnomAD v4.1: 2 of 1,614,224 alleles (0.00012%); highest among the groups gnomAD compares: Admixed American, 0.0017%; no homozygotes.

Submission:

Labcorp Genetics (formerly Invitae), Labcorp
Classification: Uncertain significance for Cryopyrin associated periodic syndrome. Last evaluated: 2022-02-10. Review status: criteria provided, single submitter. Criteria: Invitae Variant Classification Sherloc (09022015). Collection method: clinical testing. Allele origin: germline.
Comment: ClinVar contains an entry for this variant (Variation ID: 1060749). This variant has not been reported in the literature in individuals affected with NLRP3-related conditions. This variant is present in population databases (no rsID available, gnomAD 0.003%). This sequence change replaces glutamic acid, which is acidic and polar, with lysine, which is basic and polar, at codon 389 of the NLRP3 protein (p.Glu389Lys). In summary, the available evidence is currently insufficient to determine the role of this variant in disease. Therefore, it has been classified as a Variant of Uncertain Significance. Algorithms developed to predict the effect of missense changes on protein structure and function are either unavailable or do not agree on the potential impact of this missense change (SIFT: "Deleterious"; PolyPhen-2: "Possibly Damaging"; Align-GVGD: "Class C0").

NM_001243133.2(NLRP3):c.1159G>A (p.Glu387Lys)

Gene: NLRP3 (NLR family pyrin domain containing 3; plus strand). Cytogenetic location: 1q44.
Variant type: single nucleotide variant.
Coding change: c.1159G>A on transcript NM_001243133.2 (MANE Select); coding-DNA position 1159, G replaced by A.
Protein change: p.Glu387Lys; replaces glutamic acid 387 with lysine.
Molecular consequence: missense variant.
Genome position (GRCh38, 1-based): chr1:247,424,608, G>A. VCF-style: chr1-247424608-G-A. GRCh37 (hg19) VCF-style: chr1-247587910-G-A.
Other names: c.1159G>A, p.Glu387Lys (NM_001079821.3, NM_001127461.3, NM_001127462.3 and 1 more transcripts); c.1165G>A, p.Glu389Lys (NM_004895.5); short protein forms E387K, E389K.
Identifiers: ClinVar variation 1060749 (VCV001060749.9), dbSNP rs1449410815, ClinGen allele CA345556218.